The following is an entry in ClinVar:

ClinVar aggregate classification (germline): Conflicting classifications of pathogenicity. Review status: criteria provided, conflicting classifications (1 of 4 stars). 2 submissions from 2 submitters: Uncertain significance (1); Likely benign (1). Last evaluated 2026-02-01.

Conditions:
Cardiovascular phenotype. Identifiers: MedGen CN230736.

Allele frequency attached by ClinVar (database versions not stated): TOPMed below 0.00001; ExAC 0.00003.

Submissions (2):

Labcorp Genetics (formerly Invitae), Labcorp
Classification: Uncertain significance. Last evaluated: 2026-02-01. Review status: criteria provided, single submitter. Criteria: Invitae Variant Classification Sherloc (09022015). Collection method: clinical testing. Allele origin: germline.
Comment: This sequence change replaces arginine, which is basic and polar, with leucine, which is neutral and non-polar, at codon 59 of the ALPK3 protein (p.Arg59Leu). This variant is present in population databases (rs756797001, gnomAD 0.02%). This variant has not been reported in the literature in individuals affected with ALPK3-related conditions. ClinVar contains an entry for this variant (Variation ID: 2174376). An algorithm developed to predict the effect of missense changes on protein structure and function outputs the following: PolyPhen-2: "Benign". The leucine amino acid residue is found in multiple mammalian species, which suggests that this missense change does not adversely affect protein function. In summary, the available evidence is currently insufficient to determine the role of this variant in disease. Therefore, it has been classified as a Variant of Uncertain Significance.

Ambry Genetics
Classification: Likely benign for Cardiovascular phenotype. Last evaluated: 2024-11-20. Review status: criteria provided, single submitter. Criteria: Ambry Variant Classification Scheme 2023. Collection method: clinical testing. Allele origin: germline.

Literature cited by the submitters: PubMed 32480058 (cited by Ambry Genetics).

NC_000015.10:g.84817022G>T

Gene: ALPK3 (alpha kinase 3; plus strand). Cytogenetic location: 15q25.3.
Variant type: single nucleotide variant.
Genome position: GRCh38 VCF-style: chr15-84817022-G-T. GRCh37 (hg19) VCF-style: chr15-85360253-G-T.
Other names: short protein forms R59L.
Identifiers: ClinVar variation 2174376 (VCV002174376.4), dbSNP rs756797001, ClinGen allele CA7708806.